The following is an entry in ClinVar:

ClinVar aggregate classification (germline): Likely benign. Review status: criteria provided, multiple submitters, no conflicts (2 of 4 stars). 2 submissions from 2 submitters: Likely benign (2). Last evaluated 2018-06-19.

Allele frequency attached by ClinVar (database versions not stated): 1000 Genomes Project 0.00919; 1000 Genomes Project 30x 0.00906; TOPMed 0.00992.
gnomAD v4.1: 1,643 of 393,206 alleles (0.42%); highest among the groups gnomAD compares: African/African-American, 3.2%; 25 homozygotes.

Submissions (2):

GeneDx
Classification: Likely benign. Last evaluated: 2018-06-19. Review status: criteria provided, single submitter. Criteria: GeneDx Variant Classification (06012015). Collection method: clinical testing. Allele origin: germline. Affected: yes.
Comment: This variant is considered likely benign or benign based on one or more of the following criteria: it is a conservative change, it occurs at a poorly conserved position in the protein, it is predicted to be benign by multiple in silico algorithms, and/or has population frequency not consistent with disease.

Breakthrough Genomics
Classification: Likely benign. Review status: criteria provided, single submitter. Criteria: ACMG Guidelines, 2015. Collection method: not provided. Allele origin: germline. Inheritance: Autosomal recessive inheritance. Affected: yes.

NM_003283.6(TNNT1):c.387+152G>A

Gene: TNNT1 (troponin T1, slow skeletal type; minus strand). Cytogenetic location: 19q13.42.
Variant type: single nucleotide variant.
Coding change: c.387+152G>A on transcript NM_003283.6 (MANE Select); 152 bases into the intron after coding-DNA position 387, G replaced by A.
Molecular consequence: intron variant.
Genome position (GRCh38, 1-based): chr19:55,140,731, C>T on the plus strand (G>A on the coding strand, the complement: TNNT1 is on the minus strand). VCF-style: chr19-55140731-C-T. GRCh37 (hg19) VCF-style: chr19-55652099-C-T.
Other names: c.354+152G>A (NM_001126133.3, NM_001291774.2); c.387+152G>A (NM_001126132.3).
Identifiers: ClinVar variation 679523 (VCV000679523.2), dbSNP rs149119868, ClinGen allele CA310134339.